The following is an entry in ClinVar:

NM_004977.3(KCNC3):c.1711T>C (p.Ser571Pro)

Gene: KCNC3 (potassium voltage-gated channel subfamily C member 3; minus strand). Cytogenetic location: 19q13.33.
Variant type: single nucleotide variant.
Coding change: c.1711T>C on transcript NM_004977.3 (MANE Select); coding-DNA position 1711, T replaced by C.
Protein change: p.Ser571Pro; replaces serine 571 with proline.
Molecular consequence: missense variant.
Genome position (GRCh38, 1-based): chr19:50,323,242, A>G on the plus strand (T>C on the coding strand, the complement: KCNC3 is on the minus strand). VCF-style: chr19-50323242-A-G. GRCh37 (hg19) VCF-style: chr19-50826499-A-G.
Other names: c.1483T>C, p.Ser495Pro (NM_001372305.1); short protein forms S495P, S571P.
Identifiers: ClinVar variation 2650324 (VCV002650324.24), dbSNP rs2513798922, ClinGen allele CA406950255.
Genomic context (GRCh38, chr19:50,323,242, plus strand): 5'-TGCCGTGGTGCGGGTGGGGCGGGGGTGGCGGGGGTGGGTCAGGCTTGCAGTAGTTGGGCG[A>G]GCCCGGTTGCGGGGGCCGGGGGATGTGTTTGTTCTTCTTCTTGGGCAGCTTCTGCTTGGC-3'
Protein context (NP_004968.2, residues 561-581): KHIPRPPQPG[Ser571Pro]PNYCKPDPPP

ClinVar aggregate classification (germline): Uncertain significance (1 of 4 stars; one submission).

Submission:

CeGaT Center for Human Genetics Tuebingen
Classification: Uncertain significance. Last evaluated: 2023-07-01. Review status: criteria provided, single submitter. Criteria: CeGaT Center For Human Genetics Tuebingen Variant Classification Criteria Version 2. Collection method: clinical testing. Allele origin: germline. Affected: yes. Observed: 1 variant allele.
Comment: KCNC3: PM2, PP2